The following is an entry in ClinVar:

NM_001371596.2(MFSD8):c.541A>C (p.Ile181Leu)

Gene: MFSD8 (major facilitator superfamily domain containing 8; minus strand). Cytogenetic location: 4q28.2.
Variant type: single nucleotide variant.
Coding change: c.541A>C on transcript NM_001371596.2 (MANE Select); coding-DNA position 541, A replaced by C.
Protein change: p.Ile181Leu; replaces isoleucine 181 with leucine.
Molecular consequence: missense variant. On other transcripts: intron variant (4).
Genome position (GRCh38, 1-based): chr4:127,942,057, T>G on the plus strand (A>C on the coding strand, the complement: MFSD8 is on the minus strand). VCF-style: chr4-127942057-T-G. GRCh37 (hg19) VCF-style: chr4-128863212-T-G.
Other names: c.541A>C, p.Ile181Leu (NM_001363520.3, NM_001371591.2, NM_001371592.2 and 2 more transcripts); c.406A>C, p.Ile136Leu (NM_001371590.2, NM_001371595.1); c.304+1695A>C (NM_001410765.1); c.439+1695A>C (NM_001363521.3, NM_001410766.1, NM_001371593.2); short protein forms I136L, I181L.
Identifiers: ClinVar variation 1014741 (VCV001014741.3), dbSNP rs770057458, ClinGen allele CA358176036.

ClinVar aggregate classification (germline): Uncertain significance (1 of 4 stars; one submission).

Conditions:
Neuronal ceroid lipofuscinosis 7 (CLN7). Also called: MFSD8-Related Neuronal Ceroid-Lipofuscinosis. Identifiers: Orphanet 168491, Orphanet 228366, MedGen C1838571, MONDO:0012588, OMIM 610951.

gnomAD v4.1: 1 of 1,613,678 alleles (0.000062%); highest among the groups gnomAD compares: Admixed American, 0.0017%; no homozygotes.

Submission:

Labcorp Genetics (formerly Invitae), Labcorp
Classification: Uncertain significance for Neuronal ceroid lipofuscinosis 7. Last evaluated: 2022-08-23. Review status: criteria provided, single submitter. Criteria: Invitae Variant Classification Sherloc (09022015). Collection method: clinical testing. Allele origin: germline.
Comment: This sequence change replaces isoleucine, which is neutral and non-polar, with leucine, which is neutral and non-polar, at codon 181 of the MFSD8 protein (p.Ile181Leu). This variant is present in population databases (no rsID available, gnomAD 0.003%). This variant has not been reported in the literature in individuals affected with MFSD8-related conditions. ClinVar contains an entry for this variant (Variation ID: 1014741). Algorithms developed to predict the effect of missense changes on protein structure and function are either unavailable or do not agree on the potential impact of this missense change (SIFT: "Tolerated"; PolyPhen-2: "Possibly Damaging"; Align-GVGD: "Class C0"). Algorithms developed to predict the effect of sequence changes on RNA splicing suggest that this variant may create or strengthen a splice site. In summary, the available evidence is currently insufficient to determine the role of this variant in disease. Therefore, it has been classified as a Variant of Uncertain Significance.